The following is an entry in ClinVar:

ClinVar aggregate classification (germline): Pathogenic/Likely pathogenic. Review status: criteria provided, multiple submitters, no conflicts (2 of 4 stars). 4 submissions from 4 submitters: Pathogenic (1); Likely pathogenic (2). 1 of the submissions does not count toward it. Last evaluated 2024-09-12.

Conditions:
Retinal dystrophy. Also called: Inherited retinal dystrophy. Identifiers: Orphanet 71862, MedGen C0854723, MeSH D058499, MONDO:0019118, HP:0000556.
Retinitis pigmentosa 39 (RP39). Identifiers: Orphanet 791, MedGen C3151138, MONDO:0013436, OMIM 613809.
Usher syndrome type 2A. Also called: RETINAL DISEASE IN USHER SYNDROME TYPE IIA, MODIFIER OF; USHER SYNDROME, TYPE IIA. Identifiers: Orphanet 231178, Orphanet 886, MedGen C1848634, MONDO:0010169, OMIM 276901.

Submissions (4):

Natera, Inc.
Classification: Likely pathogenic for Usher syndrome type 2A. Last evaluated: 2024-09-12. Review status: criteria provided, single submitter. Criteria: Natera Variant Classification Schema (03/2026). Collection method: clinical testing. Allele origin: germline.
Comment: The c.9386_9389del variant in USH2A is a frameshift variant predicted to shift the reading frame beginning at codon 3129 and leads to a stop codon 30 codons downstream. This variant is expected to result in nonsense mediated decay, truncation, or a dysfunctional protein product. This variant is rare in the general population with a frequency below the threshold expected for the associated phenotype(s). Given the available evidence, this variant is classified as Likely Pathogenic.

Labcorp Genetics (formerly Invitae), Labcorp
Classification: Pathogenic. Last evaluated: 2023-10-30. Review status: criteria provided, single submitter. Criteria: Invitae Variant Classification Sherloc (09022015). Collection method: clinical testing. Allele origin: germline.
Comment: This sequence change creates a premature translational stop signal (p.Asp3129Glyfs*30) in the USH2A gene. It is expected to result in an absent or disrupted protein product. Loss-of-function variants in USH2A are known to be pathogenic (PMID: 10729113, 10909849, 20507924, 25649381). This variant is present in population databases (rs748200691, gnomAD 0.0009%). This variant has not been reported in the literature in individuals affected with USH2A-related conditions. For these reasons, this variant has been classified as Pathogenic.

Baylor Genetics
Classification: Likely pathogenic for Retinitis pigmentosa 39. Last evaluated: 2021-12-24. Review status: criteria provided, single submitter. Criteria: ACMG Guidelines, 2015. Collection method: clinical testing. Allele origin: unknown.

Institute of Human Genetics, Univ. Regensburg, Univ. Regensburg
Classification: Pathogenic for Retinal dystrophy. Last evaluated: 2019-01-01. Review status: no assertion criteria provided. Criteria: ACMG Guidelines, 2015. Collection method: clinical testing. Allele origin: germline. Affected: yes. Not counted in ClinVar's aggregate classification.

Literature cited by the submitters: PubMed 10729113 (cited by Labcorp Genetics (formerly Invitae), Labcorp); PubMed 10909849 (cited by Labcorp Genetics (formerly Invitae), Labcorp); PubMed 20507924 (cited by Labcorp Genetics (formerly Invitae), Labcorp); PubMed 25649381 (cited by Labcorp Genetics (formerly Invitae), Labcorp).

NM_206933.4(USH2A):c.9386_9389del (p.Asp3129fs)

Gene: USH2A (usherin; minus strand). Cytogenetic location: 1q41.
Variant type: Microsatellite.
Coding change: c.9386_9389del on transcript NM_206933.4 (MANE Select); coding-DNA positions 9386 to 9389, 4 bases deleted (ATTG; older notation c.9386_9389delATTG).
Protein change: p.Asp3129fs; shifts the reading frame from aspartic acid 3129.
Molecular consequence: frameshift variant.
Genome position (GRCh38, 1-based): chr1:215,817,178-215,817,181, CAAT deleted on the plus strand (ATTG on the coding strand, the reverse complement: USH2A is on the minus strand); deleting any 4 consecutive bases within chr1:215,817,178-215,817,185 gives the same sequence; the c. name uses the placement nearest the transcript's 3' end. VCF-style (leftmost placement, unchanged base first): chr1-215817177-CCAAT-C. GRCh37 (hg19) VCF-style: chr1-215990519-CCAAT-C.
Other names: c.9386_9389del (NM_206933.2); short protein forms D3129fs.
Identifiers: ClinVar variation 2679573 (VCV002679573.6), dbSNP rs748200691, ClinGen allele CA1394324.